The following is an entry in ClinVar:

NM_000777.5(CYP3A5):c.219-237=

Genes: CYP3A5 (cytochrome P450 family 3 subfamily A member 5; minus strand), ZSCAN25 (zinc finger and SCAN domain containing 25; plus strand). Cytogenetic location: 7q22.1.
Variant type: single nucleotide variant.
Coding change: c.219-237= on transcript NM_000777.5 (MANE Select); 237 bases into the intron before coding-DNA position 219, no change from the reference sequence.
Molecular consequence: intron variant. On other transcripts: splice acceptor variant (1).
Genome position: GRCh38 VCF-style: chr7-99672916-T-T. GRCh37 (hg19) VCF-style: chr7-99270539-C-T.
Other names: c.189-237= (NM_001291830.2); c.-253-1= (NM_001291829.2); c.219-237= (NM_001190484.3).
Identifiers: ClinVar variation 226021 (VCV000226021.107), dbSNP rs776746.

ClinVar aggregate classification (germline): Benign. Review status: criteria provided, multiple submitters, no conflicts (2 of 4 stars). 2 submissions from 2 submitters: Benign (2). Last evaluated 2018-03-14.

Allele frequency attached by ClinVar (database versions not stated): gnomAD 0.27329 and 0.27681; TOPMed 0.29931; 1000 Genomes Project 30x 0.38460.

Submissions (33):

GeneDx
Classification: Benign. Last evaluated: 2018-03-14. Review status: criteria provided, single submitter. Criteria: GeneDx Variant Classification (06012015). Collection method: clinical testing. Allele origin: germline. Affected: yes.
Comment: This variant is considered likely benign or benign based on one or more of the following criteria: it is a conservative change, it occurs at a poorly conserved position in the protein, it is predicted to be benign by multiple in silico algorithms, and/or has population frequency not consistent with disease.

Breakthrough Genomics
Classification: Benign. Review status: criteria provided, single submitter. Criteria: ACMG Guidelines, 2015. Collection method: not provided. Allele origin: germline. Inheritance: Multifactorial inheritance. Affected: yes.

Dr. Peter K. Rogan Lab, Western University
No classification provided (evidence only). Condition: Lung cancer. Review status: no classification provided. Collection method: in vitro. Allele origin: not applicable. Functional consequence: skipped exon. Not counted in ClinVar's aggregate classification.

Dr. Peter K. Rogan Lab, Western University
No classification provided (evidence only). Condition: Sarcoma. Review status: no classification provided. Collection method: in vitro. Allele origin: not applicable. Functional consequence: skipped exon, retained intron. Not counted in ClinVar's aggregate classification.

Dr. Peter K. Rogan Lab, Western University
No classification provided (evidence only). Condition: Sarcoma. Review status: no classification provided. Collection method: in vitro. Allele origin: not applicable. Functional consequence: skipped exon. Not counted in ClinVar's aggregate classification.

Dr. Peter K. Rogan Lab, Western University
No classification provided (evidence only). Condition: Sarcoma. Review status: no classification provided. Collection method: in vitro. Allele origin: not applicable. Functional consequence: skipped exon. Not counted in ClinVar's aggregate classification.

Dr. Peter K. Rogan Lab, Western University
No classification provided (evidence only). Condition: Sarcoma. Review status: no classification provided. Collection method: in vitro. Allele origin: not applicable. Functional consequence: skipped exon, retained intron. Not counted in ClinVar's aggregate classification.

Dr. Peter K. Rogan Lab, Western University
No classification provided (evidence only). Condition: Nonpapillary renal cell carcinoma. Review status: no classification provided. Collection method: in vitro. Allele origin: not applicable. Functional consequence: skipped exon, retained intron. Not counted in ClinVar's aggregate classification.

Dr. Peter K. Rogan Lab, Western University
No classification provided (evidence only). Condition: Nonpapillary renal cell carcinoma. Review status: no classification provided. Collection method: in vitro. Allele origin: not applicable. Functional consequence: skipped exon, retained intron. Not counted in ClinVar's aggregate classification.

Dr. Peter K. Rogan Lab, Western University
No classification provided (evidence only). Condition: Nonpapillary renal cell carcinoma. Review status: no classification provided. Collection method: in vitro. Allele origin: not applicable. Functional consequence: skipped exon. Not counted in ClinVar's aggregate classification.

Dr. Peter K. Rogan Lab, Western University
No classification provided (evidence only). Condition: Nonpapillary renal cell carcinoma. Review status: no classification provided. Collection method: in vitro. Allele origin: not applicable. Functional consequence: skipped exon, retained intron. Not counted in ClinVar's aggregate classification.

Dr. Peter K. Rogan Lab, Western University
No classification provided (evidence only). Condition: Nonpapillary renal cell carcinoma. Review status: no classification provided. Collection method: in vitro. Allele origin: not applicable. Functional consequence: skipped exon. Not counted in ClinVar's aggregate classification.

Dr. Peter K. Rogan Lab, Western University
No classification provided (evidence only). Condition: Gastric cancer. Review status: no classification provided. Collection method: in vitro. Allele origin: not applicable. Functional consequence: skipped exon. Not counted in ClinVar's aggregate classification.

Dr. Peter K. Rogan Lab, Western University
No classification provided (evidence only). Condition: Gastric cancer. Review status: no classification provided. Collection method: in vitro. Allele origin: not applicable. Functional consequence: skipped exon. Not counted in ClinVar's aggregate classification.

Dr. Peter K. Rogan Lab, Western University
No classification provided (evidence only). Condition: Gastric cancer. Review status: no classification provided. Collection method: in vitro. Allele origin: not applicable. Functional consequence: skipped exon, retained intron. Not counted in ClinVar's aggregate classification.

Dr. Peter K. Rogan Lab, Western University
No classification provided (evidence only). Condition: Gastric cancer. Review status: no classification provided. Collection method: in vitro. Allele origin: not applicable. Functional consequence: skipped exon. Not counted in ClinVar's aggregate classification.

Dr. Peter K. Rogan Lab, Western University
No classification provided (evidence only). Condition: Gastric cancer. Review status: no classification provided. Collection method: in vitro. Allele origin: not applicable. Functional consequence: skipped exon. Not counted in ClinVar's aggregate classification.

Dr. Peter K. Rogan Lab, Western University
No classification provided (evidence only). Condition: Gastric cancer. Review status: no classification provided. Collection method: in vitro. Allele origin: not applicable. Functional consequence: skipped exon. Not counted in ClinVar's aggregate classification.

Dr. Peter K. Rogan Lab, Western University
No classification provided (evidence only). Condition: Malignant tumor of esophagus. Review status: no classification provided. Collection method: in vitro. Allele origin: not applicable. Functional consequence: skipped exon. Not counted in ClinVar's aggregate classification.

Dr. Peter K. Rogan Lab, Western University
No classification provided (evidence only). Condition: Nonpapillary renal cell carcinoma. Review status: no classification provided. Collection method: in vitro. Allele origin: not applicable. Functional consequence: skipped exon. Not counted in ClinVar's aggregate classification.

Dr. Peter K. Rogan Lab, Western University
No classification provided (evidence only). Condition: Nonpapillary renal cell carcinoma. Review status: no classification provided. Collection method: in vitro. Allele origin: not applicable. Functional consequence: skipped exon. Not counted in ClinVar's aggregate classification.

Dr. Peter K. Rogan Lab, Western University
No classification provided (evidence only). Condition: Nonpapillary renal cell carcinoma. Review status: no classification provided. Collection method: in vitro. Allele origin: not applicable. Functional consequence: skipped exon, retained intron. Not counted in ClinVar's aggregate classification.

Dr. Peter K. Rogan Lab, Western University
No classification provided (evidence only). Condition: Nonpapillary renal cell carcinoma. Review status: no classification provided. Collection method: in vitro. Allele origin: not applicable. Functional consequence: skipped exon. Not counted in ClinVar's aggregate classification.

Dr. Peter K. Rogan Lab, Western University
No classification provided (evidence only). Condition: Nonpapillary renal cell carcinoma. Review status: no classification provided. Collection method: in vitro. Allele origin: not applicable. Functional consequence: retained intron. Not counted in ClinVar's aggregate classification.

Dr. Peter K. Rogan Lab, Western University
No classification provided (evidence only). Condition: Familial pancreatic carcinoma. Review status: no classification provided. Collection method: in vitro. Allele origin: not applicable. Functional consequence: skipped exon, retained intron. Not counted in ClinVar's aggregate classification.

Dr. Peter K. Rogan Lab, Western University
No classification provided (evidence only). Condition: Familial pancreatic carcinoma. Review status: no classification provided. Collection method: in vitro. Allele origin: not applicable. Functional consequence: skipped exon, retained intron. Not counted in ClinVar's aggregate classification.

Dr. Peter K. Rogan Lab, Western University
No classification provided (evidence only). Condition: Familial pancreatic carcinoma. Review status: no classification provided. Collection method: in vitro. Allele origin: not applicable. Functional consequence: skipped exon. Not counted in ClinVar's aggregate classification.

Dr. Peter K. Rogan Lab, Western University
No classification provided (evidence only). Condition: Familial pancreatic carcinoma. Review status: no classification provided. Collection method: in vitro. Allele origin: not applicable. Functional consequence: skipped exon. Not counted in ClinVar's aggregate classification.

Dr. Peter K. Rogan Lab, Western University
No classification provided (evidence only). Condition: Familial pancreatic carcinoma. Review status: no classification provided. Collection method: in vitro. Allele origin: not applicable. Functional consequence: skipped exon. Not counted in ClinVar's aggregate classification.

Dr. Peter K. Rogan Lab, Western University
No classification provided (evidence only). Condition: Familial pancreatic carcinoma. Review status: no classification provided. Collection method: in vitro. Allele origin: not applicable. Functional consequence: skipped exon, retained intron. Not counted in ClinVar's aggregate classification.

Dr. Peter K. Rogan Lab, Western University
No classification provided (evidence only). Condition: Familial pancreatic carcinoma. Review status: no classification provided. Collection method: in vitro. Allele origin: not applicable. Functional consequence: skipped exon. Not counted in ClinVar's aggregate classification.

Dr. Peter K. Rogan Lab, Western University
No classification provided (evidence only). Condition: Familial pancreatic carcinoma. Review status: no classification provided. Collection method: in vitro. Allele origin: not applicable. Functional consequence: skipped exon. Not counted in ClinVar's aggregate classification.

Dr. Peter K. Rogan Lab, Western University
No classification provided (evidence only). Condition: Ovarian cancer. Review status: no classification provided. Collection method: in vitro. Allele origin: not applicable. Functional consequence: skipped exon. Not counted in ClinVar's aggregate classification.